The following is an entry in ClinVar:

NM_003482.4(KMT2D):c.11578C>T (p.Gln3860Ter)

Gene: KMT2D (lysine methyltransferase 2D; minus strand). Cytogenetic location: 12q13.12.
Variant type: single nucleotide variant.
Coding change: c.11578C>T on transcript NM_003482.4 (MANE Select); coding-DNA position 11578, C replaced by T.
Protein change: p.Gln3860Ter; replaces glutamine 3860 with a stop codon.
Molecular consequence: nonsense.
Genome position (GRCh38, 1-based): chr12:49,033,127, G>A on the plus strand (C>T on the coding strand, the complement: KMT2D is on the minus strand). VCF-style: chr12-49033127-G-A. GRCh37 (hg19) VCF-style: chr12-49426910-G-A.
Other names: short protein forms Q3860*.
Identifiers: ClinVar variation 1068702 (VCV001068702.7), dbSNP rs1371371699, ClinGen allele CA384717534.
Genomic context (GRCh38, chr12:49,033,127, plus strand): 5'-GACTCTGCTGAAGATGGGACAGCCCTGCCATGGACCCTTGCTGTTGGTGCTGTTGTTGCT[G>A]CTGCTGCTGCTGGGCTGTGACCAGCCTGTGTCCCATAAGGCCCTGACCCTGCTGTGCCAG-3'

ClinVar aggregate classification (germline): Pathogenic (1 of 4 stars; one submission).

Conditions:
Kabuki syndrome. Also called: Kabuki make-up syndrome; NIIKAWA-KUROKI SYNDROME. Identifiers: Orphanet 2322, MedGen C0796004, MONDO:0016512.

Submission:

Labcorp Genetics (formerly Invitae), Labcorp
Classification: Pathogenic for Kabuki syndrome. Last evaluated: 2020-06-06. Review status: criteria provided, single submitter. Criteria: Invitae Variant Classification Sherloc (09022015). Collection method: clinical testing. Allele origin: germline.
Comment: This sequence change creates a premature translational stop signal (p.Gln3860*) in the KMT2D gene. It is expected to result in an absent or disrupted protein product. This variant is not present in population databases (ExAC no frequency). This variant has not been reported in the literature in individuals with KMT2D-related conditions. Loss-of-function variants in KMT2D are known to be pathogenic (PMID: 22126750). For these reasons, this variant has been classified as Pathogenic.

Literature cited by the submitters: PubMed 22126750.